The following is an entry in ClinVar:

NM_001498.4(GCLC):c.1580A>C (p.Lys527Thr)

Genes: GCLC (glutamate-cysteine ligase catalytic subunit; minus strand), GCLC-AS1 (GCLC antisense RNA 1; plus strand). Cytogenetic location: 6p12.1.
Variant type: single nucleotide variant.
Coding change: c.1580A>C on transcript NM_001498.4 (MANE Select); coding-DNA position 1580, A replaced by C.
Protein change: p.Lys527Thr; replaces lysine 527 with threonine.
Molecular consequence: missense variant.
Genome position (GRCh38, 1-based): chr6:53,500,248, T>G on the plus strand (A>C on the coding strand, the complement: GCLC is on the minus strand). VCF-style: chr6-53500248-T-G. GRCh37 (hg19) VCF-style: chr6-53365046-T-G.
Other names: c.1466A>C, p.Lys489Thr (NM_001197115.2); short protein forms K489T, K527T.
Identifiers: ClinVar variation 4685846 (VCV004685846.1).

ClinVar aggregate classification (germline): Uncertain significance (1 of 4 stars; one submission).

Submission:

ARUP Laboratories, Molecular Genetics and Genomics, ARUP Laboratories
Classification: Uncertain significance. Last evaluated: 2025-05-23. Review status: criteria provided, single submitter. Criteria: ARUP Molecular Germline Variant Investigation Process 2024. Collection method: clinical testing. Allele origin: germline.
Comment: The GCLC c.1580A>C; p.Lys527Thr variant, to our knowledge, is not reported in the medical literature or gene specific databases. This variant is also absent from the Genome Aggregation Database (v2.1.1), indicating it is not a common polymorphism. Computational analyses are uncertain whether this variant is neutral or deleterious (REVEL: 0.684), but predict that this variant may impact splicing by weakening the nearby canonical donor splice site (Alamut Visual Plus v.1.12), which is likely to negatively impact gene function. However, given the lack of clinical and functional data, the significance of this variant is uncertain at this time.